The following is an entry in ClinVar:

NC_000012.11:g.(88500876_88502842)_(88505636_88508196)del

Gene: CEP290 (centrosomal protein 290; minus strand). Cytogenetic location: 12q21.32.
Variant type: Deletion.
Identifiers: ClinVar variation 2445929 (VCV002445929.1).

ClinVar aggregate classification (germline): Likely pathogenic (1 of 4 stars; one submission).

Conditions:
CEP290-related disorder. Also called: CEP290-related disorders; CEP290-related condition. Identifiers: MedGen CN239314.

Submission:

Women's Health and Genetics/Laboratory Corporation of America, LabCorp
Classification: Likely pathogenic for CEP290-related disorder. Last evaluated: 2023-02-20. Review status: criteria provided, single submitter. Criteria: LabCorp Variant Classification Summary - May 2015. Collection method: clinical testing. Allele origin: germline.
Comment: Variant summary: The variant identified by MLPA or other technology involves the deletion of exons 21-23 in the CEP290 gene. A presumed nomenclature of c.(2052+1_2053-1)_(2483+1_2484-1)del has been designated for the purposes of this classification. Although exact breakpoints of this deletion are not known, it is expected to result in a frameshift in the CEP290 gene, a known mechanism of disease. The variant was absent in 21694 control chromosomes. To our knowledge, no occurrence of c.(2052+1_2053-1)_(2483+1_2484-1)del in individuals affected with CEP290-Related Disorders and no experimental evidence demonstrating its impact on protein function have been reported. No clinical diagnostic laboratories have submitted clinical-significance assessments for this variant to ClinVar after 2014. Based on the evidence outlined above, the variant was classified as likely pathogenic.